The following is an entry in ClinVar:

ClinVar aggregate classification (germline): Uncertain significance. Review status: criteria provided, multiple submitters, no conflicts (2 of 4 stars). 2 submissions from 2 submitters: Uncertain significance (2). Last evaluated 2025-05-21.

Conditions:
Aortic valve disease 2 (AOVD2). Identifiers: MedGen C3542024, MONDO:0013902, OMIM 614823.
Inborn genetic diseases. Identifiers: MedGen C0950123, MeSH D030342.

Allele frequency attached by ClinVar (database versions not stated): gnomAD 0.00001.
gnomAD v4.1: 25 of 1,483,812 alleles (0.0017%); highest among the groups gnomAD compares: Non-Finnish European, 0.002%; no homozygotes.

Submissions (2):

Labcorp Genetics (formerly Invitae), Labcorp
Classification: Uncertain significance for Aortic valve disease 2. Last evaluated: 2025-05-21. Review status: criteria provided, single submitter. Criteria: Invitae Variant Classification Sherloc (09022015). Collection method: clinical testing. Allele origin: germline.
Comment: This sequence change replaces proline, which is neutral and non-polar, with alanine, which is neutral and non-polar, at codon 272 of the SMAD6 protein (p.Pro272Ala). This variant is not present in population databases (gnomAD no frequency). This variant has not been reported in the literature in individuals affected with SMAD6-related conditions. ClinVar contains an entry for this variant (Variation ID: 1762184). Invitae Evidence Modeling of protein sequence and biophysical properties (such as structural, functional, and spatial information, amino acid conservation, physicochemical variation, residue mobility, and thermodynamic stability) indicates that this missense variant is not expected to disrupt SMAD6 protein function with a negative predictive value of 80%. In summary, the available evidence is currently insufficient to determine the role of this variant in disease. Therefore, it has been classified as a Variant of Uncertain Significance.

Ambry Genetics
Classification: Uncertain significance for Inborn genetic diseases. Last evaluated: 2024-07-11. Review status: criteria provided, single submitter. Criteria: Ambry Variant Classification Scheme 2023. Collection method: clinical testing. Allele origin: germline.
Comment: The p.P272A variant (also known as c.814C>G), located in coding exon 1 of the SMAD6 gene, results from a C to G substitution at nucleotide position 814. The proline at codon 272 is replaced by alanine, an amino acid with highly similar properties. This amino acid position is conserved. In addition, the in silico prediction for this alteration is inconclusive. Since supporting evidence is limited at this time, the clinical significance of this alteration remains unclear.

NM_005585.5(SMAD6):c.814C>G (p.Pro272Ala)

Gene: SMAD6 (SMAD family member 6; plus strand). Cytogenetic location: 15q22.31.
Variant type: single nucleotide variant.
Coding change: c.814C>G on transcript NM_005585.5 (MANE Select); coding-DNA position 814, C replaced by G.
Protein change: p.Pro272Ala; replaces proline 272 with alanine.
Molecular consequence: missense variant. On other transcripts: non-coding transcript variant (1).
Genome position (GRCh38, 1-based): chr15:66,704,072, C>G. VCF-style: chr15-66704072-C-G. GRCh37 (hg19) VCF-style: chr15-66996410-C-G.
Other names: short protein forms P272A.
Identifiers: ClinVar variation 1762184 (VCV001762184.6), dbSNP rs781458675, ClinGen allele CA392950302.